The following is an entry in ClinVar:

NM_013447.4(ADGRE2):c.1941G>T (p.Met647Ile)

Gene: ADGRE2 (adhesion G protein-coupled receptor E2; minus strand). Cytogenetic location: 19p13.12.
Variant type: single nucleotide variant.
Coding change: c.1941G>T on transcript NM_013447.4 (MANE Select); coding-DNA position 1941, G replaced by T.
Protein change: p.Met647Ile; replaces methionine 647 with isoleucine.
Molecular consequence: missense variant.
Genome position (GRCh38, 1-based): chr19:14,751,519, C>A on the plus strand (G>T on the coding strand, the complement: ADGRE2 is on the minus strand). VCF-style: chr19-14751519-C-A. GRCh37 (hg19) VCF-style: chr19-14862331-C-A.
Other names: c.1767G>T, p.Met589Ile (NM_001271052.1); c.1794G>T, p.Met598Ile (NM_152916.2); c.1662G>T, p.Met554Ile (NM_152917.2); short protein forms M589I, M598I, M647I, M554I.
Identifiers: ClinVar variation 4725189 (VCV004725189.1).
Genomic context (GRCh38, chr19:14,751,519, plus strand): 5'-AGGCCTGGAGGCTGCAGAAATGGCCACTGTCACAGCTGGGACTCCGTAGCCCACAGGGAA[C>A]ATGAGCTTCTTCATGAATCTGTTGATGCTTGAGTAGTTGACCACCGTCAGGTTCCGTGCA-3'
Protein context (NP_038475.2, residues 637-657): SSINRFMKKL[Met647Ile]FPVGYGVPAV

ClinVar aggregate classification (germline): Uncertain significance (1 of 4 stars; one submission).

Submission:

Labcorp Genetics (formerly Invitae), Labcorp
Classification: Uncertain significance. Last evaluated: 2025-09-24. Review status: criteria provided, single submitter. Criteria: Invitae Variant Classification Sherloc (09022015). Collection method: clinical testing. Allele origin: germline.
Comment: This sequence change replaces methionine, which is neutral and non-polar, with isoleucine, which is neutral and non-polar, at codon 647 of the ADGRE2 protein (p.Met647Ile). This variant is not present in population databases (gnomAD no frequency). This variant has not been reported in the literature in individuals affected with ADGRE2-related conditions. An algorithm developed to predict the effect of missense changes on protein structure and function (PolyPhen-2) suggests that this variant is likely to be disruptive. In summary, the available evidence is currently insufficient to determine the role of this variant in disease. Therefore, it has been classified as a Variant of Uncertain Significance.